The following is an entry in ClinVar:

NM_007289.4(MME):c.359-3C>T

Gene: MME (membrane metalloendopeptidase; plus strand). Cytogenetic location: 3q25.2.
Variant type: single nucleotide variant.
Coding change: c.359-3C>T on transcript NM_007289.4 (MANE Select); 3 bases into the intron before coding-DNA position 359, C replaced by T.
Molecular consequence: intron variant.
Genome position (GRCh38, 1-based): chr3:155,116,476, C>T. VCF-style: chr3-155116476-C-T. GRCh37 (hg19) VCF-style: chr3-154834265-C-T.
Other names: c.359-3C>T (NM_001354642.2, NM_000902.5, NM_007287.4 and 2 more transcripts).
Identifiers: ClinVar variation 510893 (VCV000510893.1), dbSNP rs745418124, ClinGen allele CA2675128.

ClinVar aggregate classification (germline): Likely benign (1 of 4 stars; one submission).

Allele frequency attached by ClinVar (database versions not stated): gnomAD exomes below 0.00001 and 0.00001; ExAC 0.00001; TOPMed 0.00001; gnomAD 0.00002.
gnomAD v4.1: 6 of 1,597,550 alleles (0.00038%); highest among the groups gnomAD compares: Non-Finnish European, 0.00051%; no homozygotes.

Submission:

GeneDx
Classification: Likely benign. Last evaluated: 2017-07-28. Review status: criteria provided, single submitter. Criteria: GeneDx Variant Classification (06012015). Collection method: clinical testing. Allele origin: germline. Affected: yes.
Comment: This variant is considered likely benign or benign based on one or more of the following criteria: it is a conservative change, it occurs at a poorly conserved position in the protein, it is predicted to be benign by multiple in silico algorithms, and/or has population frequency not consistent with disease.